The following is an entry in ClinVar:

NM_001853.4(COL9A3):c.1122G>T (p.Met374Ile)

Gene: COL9A3 (collagen type IX alpha 3 chain; plus strand). Cytogenetic location: 20q13.33.
Variant type: single nucleotide variant.
Coding change: c.1122G>T on transcript NM_001853.4 (MANE Select); coding-DNA position 1122, G replaced by T.
Protein change: p.Met374Ile; replaces methionine 374 with isoleucine.
Molecular consequence: missense variant.
Genome position (GRCh38, 1-based): chr20:62,829,780, G>T. VCF-style: chr20-62829780-G-T. GRCh37 (hg19) VCF-style: chr20-61461132-G-T.
Other names: c.1122G>T (NM_001853.3); short protein forms M374I.
Identifiers: ClinVar variation 3605786 (VCV003605786.3).

ClinVar aggregate classification (germline): Uncertain significance. Review status: criteria provided, multiple submitters, no conflicts (2 of 4 stars). 2 submissions from 2 submitters: Uncertain significance (2). Last evaluated 2026-01-26.

Conditions:
Inborn genetic diseases. Identifiers: MedGen C0950123, MeSH D030342.

gnomAD v4.1: 5 of 1,589,280 alleles (0.00031%); highest among the groups gnomAD compares: Non-Finnish European, 0.00043%; no homozygotes.

Submissions (2):

Labcorp Genetics (formerly Invitae), Labcorp
Classification: Uncertain significance. Last evaluated: 2026-01-26. Review status: criteria provided, single submitter. Criteria: Invitae Variant Classification Sherloc (09022015). Collection method: clinical testing. Allele origin: germline.
Comment: This sequence change replaces methionine, which is neutral and non-polar, with isoleucine, which is neutral and non-polar, at codon 374 of the COL9A3 protein (p.Met374Ile). The frequency data for this variant in the population databases is considered unreliable, as metrics indicate poor data quality at this position in the gnomAD database. This variant has not been reported in the literature in individuals affected with COL9A3-related conditions. ClinVar contains an entry for this variant (Variation ID: 3605786). Invitae Evidence Modeling of protein sequence and biophysical properties (such as structural, functional, and spatial information, amino acid conservation, physicochemical variation, residue mobility, and thermodynamic stability) indicates that this missense variant is not expected to disrupt COL9A3 protein function with a negative predictive value of 95%. In summary, the available evidence is currently insufficient to determine the role of this variant in disease. Therefore, it has been classified as a Variant of Uncertain Significance.

Ambry Genetics
Classification: Uncertain significance for Inborn genetic diseases. Last evaluated: 2025-04-07. Review status: criteria provided, single submitter. Criteria: Ambry Variant Classification Scheme 2023. Collection method: clinical testing. Allele origin: germline.